The following is an entry in ClinVar:

ClinVar aggregate classification (germline): Likely benign (0 of 4 stars; one submission).

Conditions:
A2ML1-related disorder. Also called: A2ML1-related condition.

Allele frequency attached by ClinVar (database versions not stated): TOPMed 0.00006; gnomAD 0.00009; ExAC 0.00012; gnomAD exomes 0.00026.
gnomAD v4.1: 352 of 1,498,024 alleles (0.023%); highest among the groups gnomAD compares: Non-Finnish European, 0.03%; no homozygotes.

Submission:

PreventionGenetics, part of Exact Sciences
Classification: Likely benign for A2ML1-related condition. Last evaluated: 2020-06-08. Review status: no assertion criteria provided. Collection method: clinical testing. Allele origin: germline.
Comment: This variant is classified as likely benign based on ACMG/AMP sequence variant interpretation guidelines (Richards et al. 2015 PMID: 25741868, with internal and published modifications).

NM_144670.6(A2ML1):c.1477-280A>G

Gene: A2ML1 (alpha-2-macroglobulin like 1; plus strand). Cytogenetic location: 12p13.31.
Variant type: single nucleotide variant.
Coding change: c.1477-280A>G on transcript NM_144670.6 (MANE Select); 280 bases into the intron before coding-DNA position 1477, A replaced by G.
Molecular consequence: intron variant. On other transcripts: 5 prime UTR variant (1).
Genome position (GRCh38, 1-based): chr12:8,845,162, A>G. VCF-style: chr12-8845162-A-G. GRCh37 (hg19) VCF-style: chr12-8997758-A-G.
Other names: c.-10A>G (NM_001282424.3).
Identifiers: ClinVar variation 3057859 (VCV003057859.2), dbSNP rs777472744, ClinGen allele CA6435679.
Genomic context (GRCh38, chr12:8,845,162, plus strand): 5'-TGACTTTCTGTTACAAAGATTATAAGAAAATAAAATTTGGAGATCTTCAAGAAATGGCAG[A>G]CAGTTATCTATGGTGAGGAACAATTTCTATGCTGTCAGACTCCTCCCATCCACCTGCGTG-3'